The following is an entry in ClinVar:

ClinVar aggregate classification (germline): Conflicting classifications of pathogenicity. Review status: criteria provided, conflicting classifications (1 of 4 stars). 2 submissions from 2 submitters: Uncertain significance (1); Likely benign (1). Last evaluated 2024-10-18.

Conditions:
Inborn genetic diseases. Identifiers: MedGen C0950123, MeSH D030342.
Episodic kinesigenic dyskinesia (EKD). Also called: Paroxysmal kinesigenic dyskinesia. Identifiers: Orphanet 98809, MedGen C1868682, MONDO:0044202.

Submissions (2):

Labcorp Genetics (formerly Invitae), Labcorp
Classification: Uncertain significance for Episodic kinesigenic dyskinesia. Last evaluated: 2024-10-18. Review status: criteria provided, single submitter. Criteria: Invitae Variant Classification Sherloc (09022015). Collection method: clinical testing. Allele origin: germline.
Comment: This variant, c.404_427del, results in the deletion of 8 amino acid(s) of the PRRT2 protein (p.Ala135_Pro142del), but otherwise preserves the integrity of the reading frame. This variant is present in population databases (rs779565135, gnomAD 0.04%), and has an allele count higher than expected for a pathogenic variant. This variant has not been reported in the literature in individuals affected with PRRT2-related conditions. ClinVar contains an entry for this variant (Variation ID: 839697). Experimental studies and prediction algorithms are not available or were not evaluated, and the functional significance of this variant is currently unknown. In summary, the available evidence is currently insufficient to determine the role of this variant in disease. Therefore, it has been classified as a Variant of Uncertain Significance.

Ambry Genetics
Classification: Likely benign for Inborn genetic diseases. Last evaluated: 2018-09-18. Review status: criteria provided, single submitter. Criteria: Ambry Variant Classification Scheme 2023. Collection method: clinical testing. Allele origin: germline.

NM_145239.3(PRRT2):c.404_427del (p.Ala135_Pro142del)

Genes: MVP-DT (MVP divergent transcript; minus strand), PRRT2 (proline rich transmembrane protein 2; plus strand). Cytogenetic location: 16p11.2.
Variant type: Deletion.
Coding change: c.404_427del on transcript NM_145239.3 (MANE Select); coding-DNA positions 404 to 427, 24 bases deleted (CCCCAGAGCCTGCTCCCCAACCAG).
Protein change: p.Ala135_Pro142del.
Molecular consequence: inframe deletion.
Genome position (GRCh38, 1-based): chr16:29,813,458-29,813,481, CCCCAGAGCCTGCTCCCCAACCAG deleted; deleting any 24 consecutive bases within chr16:29,813,452-29,813,481 gives the same sequence; the c. name uses the placement nearest the transcript's 3' end. VCF-style (leftmost placement, unchanged base first): chr16-29813451-GAACCAGCCCCAGAGCCTGCTCCCC-G. GRCh37 (hg19) VCF-style: chr16-29824772-GAACCAGCCCCAGAGCCTGCTCCCC-G.
Other names: c.404_427del, p.Ala135_Pro142del (NM_001256442.2, NM_001256443.2); c.404_427del24 (NM_145239.2).
Identifiers: ClinVar variation 839697 (VCV000839697.12), dbSNP rs779565135, ClinGen allele CA7994521.
Genomic context (GRCh38, chr16:29,813,451, plus strand): 5'-GAAGTGAGCAAAGAGGCCACTGCAGACCAGGGGTCCAGGCTGGAGTCTGCAGCCCCACCT[GAACCAGCCCCAGAGCCTGCTCCCC>G]AACCAGACCCCCGGCCAGATTCCCAGCCTACCCCCAAGCCAGCCCTTCAACCAGAGCTCC-3'